The following is an entry in ClinVar:

ClinVar aggregate classification (germline): Uncertain significance (1 of 4 stars; one submission).

Submission:

Labcorp Genetics (formerly Invitae), Labcorp
Classification: Uncertain significance. Last evaluated: 2025-01-30. Review status: criteria provided, single submitter. Criteria: Invitae Variant Classification Sherloc (09022015). Collection method: clinical testing. Allele origin: germline.
Comment: This sequence change replaces tryptophan, which is neutral and slightly polar, with cysteine, which is neutral and slightly polar, at codon 738 of the MYSM1 protein (p.Trp738Cys). This variant is not present in population databases (gnomAD no frequency). This variant has not been reported in the literature in individuals affected with MYSM1-related conditions. Invitae Evidence Modeling of protein sequence and biophysical properties (such as structural, functional, and spatial information, amino acid conservation, physicochemical variation, residue mobility, and thermodynamic stability) indicates that this missense variant is expected to disrupt MYSM1 protein function with a positive predictive value of 80%. In summary, the available evidence is currently insufficient to determine the role of this variant in disease. Therefore, it has been classified as a Variant of Uncertain Significance.

NM_001085487.3(MYSM1):c.2214G>T (p.Trp738Cys)

Gene: MYSM1 (Myb like, SWIRM and MPN domains 1; minus strand). Cytogenetic location: 1p32.1.
Variant type: single nucleotide variant.
Coding change: c.2214G>T on transcript NM_001085487.3 (MANE Select); coding-DNA position 2214, G replaced by T.
Protein change: p.Trp738Cys; replaces tryptophan 738 with cysteine.
Molecular consequence: missense variant.
Genome position (GRCh38, 1-based): chr1:58,661,462, C>A on the plus strand (G>T on the coding strand, the complement: MYSM1 is on the minus strand). VCF-style: chr1-58661462-C-A. GRCh37 (hg19) VCF-style: chr1-59127134-C-A.
Other names: short protein forms W738C.
Identifiers: ClinVar variation 4743415 (VCV004743415.1).